The following is an entry in ClinVar:

NM_004415.4(DSP):c.2498dup (p.Lys834fs)

Gene: DSP (desmoplakin; plus strand). Cytogenetic location: 6p24.3.
Variant type: Duplication.
Coding change: c.2498dup on transcript NM_004415.4 (MANE Select); coding-DNA position 2498, one base duplicated (A; older notation c.2498dupA).
Protein change: p.Lys834fs; shifts the reading frame from lysine 834.
Molecular consequence: frameshift variant.
Genome position (GRCh38, 1-based): chr6:7,575,356, A duplicated. VCF-style (leftmost placement, unchanged base first): chr6-7575355-C-CA. GRCh37 (hg19) VCF-style: chr6-7575588-C-CA.
Other names: c.2498dup, p.Lys834fs (NM_001008844.3, NM_001319034.2); short protein forms K834fs.
Identifiers: ClinVar variation 946412 (VCV000946412.8), dbSNP rs1759204244, ClinGen allele CA1139659345.
Genomic context (GRCh38, chr6:7,575,355, plus strand): 5'-AAAATAAAAAATGACTTGAACTTGAAGAAGTCGTTGTTGGCCACTATGAAGACAGAACTA[C>CA]AGAAAGCCCAGCAGATCCACTCTCAGACTTCACAGCAGTATCCACTTTATGATCTGGACT-3'

ClinVar aggregate classification (germline): Pathogenic (1 of 4 stars; one submission).

Conditions:
Arrhythmogenic cardiomyopathy with wooly hair and keratoderma. Also called: Arrhythmogenic cardiomyopathy with woolly hair and keratoderma; PALMOPLANTAR KERATODERMA WITH LEFT VENTRICULAR CARDIOMYOPATHY AND WOOLLY HAIR; Dilated cardiomyopathy with woolly hair and keratoderma; Carvajal syndrome. Identifiers: Orphanet 65282, MedGen C1854063, MONDO:0011581, OMIM 605676.
Arrhythmogenic right ventricular dysplasia 8 (ARVD8). Also called: Arrhythmogenic Right Ventricular Dysplasia/Cardiomyopathy 8; ARRHYTHMOGENIC RIGHT VENTRICULAR DYSPLASIA, FAMILIAL, 8; ARRHYTHMOGENIC RIGHT VENTRICULAR CARDIOMYOPATHY 8. Identifiers: MedGen C1843896, MONDO:0011831, OMIM 607450.

Submission:

Labcorp Genetics (formerly Invitae), Labcorp
Classification: Pathogenic for Arrhythmogenic cardiomyopathy with wooly hair and keratoderma; Arrhythmogenic right ventricular dysplasia 8. Last evaluated: 2019-03-29. Review status: criteria provided, single submitter. Criteria: Invitae Variant Classification Sherloc (09022015). Collection method: clinical testing. Allele origin: germline.
Comment: For these reasons, this variant has been classified as Pathogenic. Loss-of-function variants in DSP are known to be pathogenic (PMID: 20716751, 24503780, 25227139). This variant has not been reported in the literature in individuals with DSP-related conditions. This variant is not present in population databases (ExAC no frequency). This sequence change creates a premature translational stop signal (p.Lys834Glufs*17) in the DSP gene. It is expected to result in an absent or disrupted protein product.

Literature cited by the submitters: PubMed 20716751; PubMed 24503780; PubMed 25227139.